The following is an entry in ClinVar:

NM_002439.5(MSH3):c.1611_1614del (p.Ile537fs)

Gene: MSH3 (mutS homolog 3; plus strand). Cytogenetic location: 5q14.1.
Variant type: Deletion.
Coding change: c.1611_1614del on transcript NM_002439.5 (MANE Select); coding-DNA positions 1611 to 1614, 4 bases deleted (TAAT; older notation c.1611_1614delTAAT).
Protein change: p.Ile537fs; shifts the reading frame from isoleucine 537.
Molecular consequence: frameshift variant.
Genome position (GRCh38, 1-based): chr5:80,741,506-80,741,509, TAAT deleted; deleting any 4 consecutive bases within chr5:80,741,503-80,741,509 gives the same sequence; the c. name uses the placement nearest the transcript's 3' end. VCF-style (leftmost placement, unchanged base first): chr5-80741502-CAATT-C. GRCh37 (hg19) VCF-style: chr5-80037321-CAATT-C.
Other names: c.1611_1614delTAAT (NM_002439.5, NM_002439.3); short protein forms I537fs.
Identifiers: ClinVar variation 1454122 (VCV001454122.11), dbSNP rs2112866803, ClinGen allele CA2573139856.
Genomic context (GRCh38, chr5:80,741,502, plus strand): 5'-ATTATATTTGATTCTTTTACAGGAATTTTAAACAGCTATCAAGTAAAATGGAATTTATGA[CAATT>C]AATGGAACAACATTAAGGAATCTGGAAATCCTACAGAATCAGGTCAGGCAAATACAAGGG-3'

ClinVar aggregate classification (germline): Pathogenic/Likely pathogenic. Review status: criteria provided, multiple submitters, no conflicts (2 of 4 stars). 5 submissions from 5 submitters: Pathogenic (3); Likely pathogenic (2). Last evaluated 2025-03-04.
ClinVar aggregate classification (oncogenicity): Likely oncogenic (1 of 4 stars; one submission).

Conditions:
Endometrial carcinoma. Also called: Endometrial carcinoma, somatic. Identifiers: MedGen C0476089, MONDO:0002447, OMIM 608089, HP:0012114.
Familial adenomatous polyposis 4 (FAP4). Also called: MSH3-related attenuated familial adenomatous polyposis. Identifiers: Orphanet 480536, MedGen C4310719, MONDO:0044300, OMIM 617100.
Hereditary cancer-predisposing syndrome. Also called: Tumor predisposition; Neoplastic Syndromes, Hereditary; Hereditary Cancer Syndrome; Hereditary neoplastic syndrome. Identifiers: Orphanet 140162, MedGen C0027672, MeSH D009386, MONDO:0015356.
Neoplasm. Also called: tumor; Neoplasms; Neoplasm (disease). Identifiers: MedGen C0027651, MeSH D009369, MONDO:0005070, HP:0002664.

Submissions (6):

Center for Genomic Medicine, Rigshospitalet, Copenhagen University Hospital
Classification: Likely oncogenic for Neoplasm. Last evaluated: 2025-12-29. Review status: criteria provided, single submitter. Criteria: ClinGen/CGC/VICC Guidelines for Oncogenicity, 2022. Collection method: clinical testing. Allele origin: somatic. Affected: yes.

Center for Genomic Medicine, Rigshospitalet, Copenhagen University Hospital
Classification: Likely pathogenic. Last evaluated: 2025-03-04. Review status: criteria provided, single submitter. Criteria: ACMG Guidelines, 2015. Collection method: clinical testing. Allele origin: germline.

Ambry Genetics
Classification: Pathogenic for Hereditary cancer-predisposing syndrome. Last evaluated: 2025-03-03. Review status: criteria provided, single submitter. Criteria: Ambry Variant Classification Scheme 2023. Collection method: clinical testing. Allele origin: germline.
Comment: The c.1611_1614delTAAT pathogenic mutation, located in coding exon 11 of the MSH3 gene, results from a deletion of 4 nucleotides at nucleotide positions 1611 to 1614, causing a translational frameshift with a predicted alternate stop codon (p.I537Mfs*5). This variant is considered to be rare based on population cohorts in the Genome Aggregation Database (gnomAD). This alteration is expected to result in loss of function by premature protein truncation or nonsense-mediated mRNA decay. As such, this alteration is interpreted as a disease-causing mutation.

Labcorp Genetics (formerly Invitae), Labcorp
Classification: Pathogenic. Last evaluated: 2024-12-12. Review status: criteria provided, single submitter. Criteria: Invitae Variant Classification Sherloc (09022015). Collection method: clinical testing. Allele origin: germline.
Comment: This sequence change creates a premature translational stop signal (p.Ile537Metfs*5) in the MSH3 gene. It is expected to result in an absent or disrupted protein product. Loss-of-function variants in MSH3 are known to be pathogenic (PMID: 27476653, 37402566). This variant is not present in population databases (gnomAD no frequency). This variant has not been reported in the literature in individuals affected with MSH3-related conditions. ClinVar contains an entry for this variant (Variation ID: 1454122). For these reasons, this variant has been classified as Pathogenic.

Baylor Genetics
Classification: Likely pathogenic for Endometrial carcinoma. Last evaluated: 2024-02-16. Review status: criteria provided, single submitter. Criteria: ACMG Guidelines, 2015. Collection method: clinical testing. Allele origin: unknown.

Myriad Genetics, Inc.
Classification: Pathogenic for Familial adenomatous polyposis 4. Last evaluated: 2023-08-30. Review status: criteria provided, single submitter. Criteria: Myriad Autosomal Dominant, Autosomal Recessive and X-Linked Classification Criteria (2023). Collection method: clinical testing. Allele origin: unknown.
Comment: This variant is considered pathogenic. This variant creates a frameshift predicted to result in premature protein truncation.

Literature cited by the submitters: PubMed 27476653 (cited by Center for Genomic Medicine, Rigshospitalet, Copenhagen University Hospital and Labcorp Genetics (formerly Invitae), Labcorp); PubMed 37402566 (cited by Labcorp Genetics (formerly Invitae), Labcorp).